The following is an entry in ClinVar:

NM_172232.4(ABCA5):c.309C>T (p.Val103=)

Gene: ABCA5 (ATP binding cassette subfamily A member 5; minus strand). Cytogenetic location: 17q24.3.
Variant type: single nucleotide variant.
Coding change: c.309C>T on transcript NM_172232.4 (MANE Select); coding-DNA position 309, C replaced by T.
Protein change: p.Val103=; no amino-acid change (valine 103 retained).
Molecular consequence: synonymous variant.
Genome position (GRCh38, 1-based): chr17:69,309,422, G>A on the plus strand (C>T on the coding strand, the complement: ABCA5 is on the minus strand). VCF-style: chr17-69309422-G-A. GRCh37 (hg19) VCF-style: chr17-67305563-G-A.
Other names: c.309C>T, p.Val103= (NM_018672.5).
Identifiers: ClinVar variation 2648168 (VCV002648168.24), dbSNP rs773593014, ClinGen allele CA8737929.

ClinVar aggregate classification (germline): Likely benign (1 of 4 stars; one submission).

Allele frequency attached by ClinVar (database versions not stated): gnomAD exomes below 0.00001; ExAC 0.00001.
gnomAD v4.1: 2 of 1,550,614 alleles (0.00013%); highest among the groups gnomAD compares: Non-Finnish European, 0.00017%; no homozygotes.

Submission:

CeGaT Center for Human Genetics Tuebingen
Classification: Likely benign. Last evaluated: 2022-09-01. Review status: criteria provided, single submitter. Criteria: CeGaT Center For Human Genetics Tuebingen Variant Classification Criteria Version 2. Collection method: clinical testing. Allele origin: germline. Affected: yes. Observed: 1 variant allele.
Comment: ABCA5: BP4, BP7